The following is an entry in ClinVar:

NM_052947.4(ALPK2):c.2174G>C (p.Arg725Thr)

Gene: ALPK2 (alpha kinase 2; minus strand). Cytogenetic location: 18q21.31.
Variant type: single nucleotide variant.
Coding change: c.2174G>C on transcript NM_052947.4 (MANE Select); coding-DNA position 2174, G replaced by C.
Protein change: p.Arg725Thr; replaces arginine 725 with threonine.
Molecular consequence: missense variant.
Genome position (GRCh38, 1-based): chr18:58,538,013, C>G on the plus strand (G>C on the coding strand, the complement: ALPK2 is on the minus strand). VCF-style: chr18-58538013-C-G. GRCh37 (hg19) VCF-style: chr18-56205245-C-G.
Other names: short protein forms R725T.
Identifiers: ClinVar variation 2449218 (VCV002449218.2), dbSNP rs2518878026, ClinGen allele CA402571346.

ClinVar aggregate classification (germline): Uncertain significance (1 of 4 stars; one submission).

Submission:

Ambry Genetics
Classification: Uncertain significance. Last evaluated: 2022-12-01. Review status: criteria provided, single submitter. Criteria: Ambry Variant Classification Scheme 2023. Collection method: clinical testing. Allele origin: germline.
Comment: The p.R725T variant (also known as c.2174G>C), located in coding exon 4 of the ALPK2 gene, results from a G to C substitution at nucleotide position 2174. The arginine at codon 725 is replaced by threonine, an amino acid with similar properties. This amino acid position is conserved. In addition, this alteration is predicted to be tolerated by in silico analysis. Since supporting evidence is limited at this time, the clinical significance of this alteration remains unclear.